The following is an entry in ClinVar:

ClinVar aggregate classification (germline): Pathogenic (1 of 4 stars; one submission).

Submission:

Labcorp Genetics (formerly Invitae), Labcorp
Classification: Pathogenic. Last evaluated: 2023-11-14. Review status: criteria provided, single submitter. Criteria: Invitae Variant Classification Sherloc (09022015). Collection method: clinical testing. Allele origin: germline.
Comment: This sequence change creates a premature translational stop signal (p.Tyr1409Thrfs*16) in the FREM2 gene. It is expected to result in an absent or disrupted protein product. Loss-of-function variants in FREM2 are known to be pathogenic (PMID: 18203166, 26552811). This variant is not present in population databases (gnomAD no frequency). This variant has not been reported in the literature in individuals affected with FREM2-related conditions. For these reasons, this variant has been classified as Pathogenic.

Literature cited by the submitters: PubMed 18203166; PubMed 26552811.

NM_207361.6(FREM2):c.4225del (p.Tyr1409fs)

Gene: FREM2 (FRAS1 related extracellular matrix 2; plus strand). Cytogenetic location: 13q13.3.
Variant type: Deletion.
Coding change: c.4225del on transcript NM_207361.6 (MANE Select); coding-DNA position 4225, one base deleted (T; older notation c.4225delT).
Protein change: p.Tyr1409fs; shifts the reading frame from tyrosine 1409.
Molecular consequence: frameshift variant.
Genome position (GRCh38, 1-based): chr13:38,691,569, T deleted; the last of 2 consecutive T bases (chr13:38,691,568-38,691,569); deleting either gives the same sequence. VCF-style (leftmost placement, unchanged base first): chr13-38691567-GT-G. GRCh37 (hg19) VCF-style: chr13-39265704-GT-G.
Other names: short protein forms Y1409fs.
Identifiers: ClinVar variation 2695829 (VCV002695829.3), dbSNP rs2541360429, ClinGen allele CA2622730287.